The following is an entry in ClinVar:

NM_144666.3(DNHD1):c.10680C>T (p.Asn3560=)

Gene: DNHD1 (dynein heavy chain domain 1; plus strand). Cytogenetic location: 11p15.4.
Variant type: single nucleotide variant.
Coding change: c.10680C>T on transcript NM_144666.3 (MANE Select); coding-DNA position 10680, C replaced by T.
Protein change: p.Asn3560=; no amino-acid change (asparagine 3560 retained).
Molecular consequence: synonymous variant.
Genome position (GRCh38, 1-based): chr11:6,564,728, C>T. VCF-style: chr11-6564728-C-T. GRCh37 (hg19) VCF-style: chr11-6585958-C-T.
Identifiers: ClinVar variation 3058345 (VCV003058345.2), dbSNP rs371710325, ClinGen allele CA5856519.

ClinVar aggregate classification (germline): Likely benign (0 of 4 stars; one submission).

Conditions:
DNHD1-related disorder. Also called: DNHD1-related condition.

Allele frequency attached by ClinVar (database versions not stated): ExAC 0.00022; gnomAD 0.00033; 1000 Genomes Project 0.00040; TOPMed 0.00043; 1000 Genomes Project 30x 0.00047; ESP Exome Variant Server 0.00088.
gnomAD v4.1: 156 of 1,549,778 alleles (0.01%); highest among the groups gnomAD compares: African/African-American, 0.1%; 1 homozygote.

Submission:

PreventionGenetics, part of Exact Sciences
Classification: Likely benign for DNHD1-related condition. Last evaluated: 2019-03-06. Review status: no assertion criteria provided. Collection method: clinical testing. Allele origin: germline.
Comment: This variant is classified as likely benign based on ACMG/AMP sequence variant interpretation guidelines (Richards et al. 2015 PMID: 25741868, with internal and published modifications).